The following is an entry in ClinVar:

ClinVar aggregate classification (germline): Likely benign (1 of 4 stars; one submission).

Submission:

Women's Health and Genetics/Laboratory Corporation of America, LabCorp
Classification: Likely benign. Last evaluated: 2026-01-28. Review status: criteria provided, single submitter. Criteria: LabCorp Variant Classification Summary - May 2015. Collection method: clinical testing. Allele origin: germline.
Comment: Variant summary: CFHR4 c.998-18_998-17delinsTG alters a nucleotide located at a position not widely known to affect splicing. Consensus agreement among computation tools predict no significant impact on normal splicing. However, these predictions have yet to be confirmed by functional studies. This variant is composed of 2 adjacent SNPs in the gnomAD database, c.998-17T>G found predominant in the Ashkenazi-Jewish subpopulation at a frequency of 0.001088 and c.998-18C>T found predominantly at a frequency of 0.00002488 in the South Asian subpopulation. Based on the frequency of the least prevalent allele, namely c.998-18C>T, it can be estimated that the complex variant allele will be found at a frequency not to exceed 0.00002488 in 1545516 control chromosomes.The available data on variant occurrences in the general population are insufficient to allow any conclusion about variant significance. To our knowledge, no occurrence of c.998-18_998-17delinsTG in individuals affected with CFHR4-related conditions and no experimental evidence demonstrating its impact on protein function have been reported. No submitters have cited clinical-significance assessments for this variant to ClinVar. Based on the evidence outlined above, the variant was classified as likely benign.

NM_001201550.3(CFHR4):c.998-18_998-17delinsTG

Gene: CFHR4 (complement factor H related 4; plus strand). Cytogenetic location: 1q31.3.
Variant type: Indel.
Coding change: c.998-18_998-17delinsTG on transcript NM_001201550.3 (MANE Select); 18 bases into the intron before coding-DNA position 998 through 17 bases into the intron before coding-DNA position 998, CT replaced by TG.
Molecular consequence: intron variant.
Genome position (GRCh38, 1-based): chr1:196,912,722-196,912,723, CT replaced by TG. VCF-style: chr1-196912722-CT-TG. GRCh37 (hg19) VCF-style: chr1-196881852-CT-TG.
Other names: c.257-18_257-17delinsTG (NM_006684.5); c.995-18_995-17delinsTG (NM_001201551.2).
Identifiers: ClinVar variation 4689167 (VCV004689167.1).